The following is an entry in ClinVar:

ClinVar aggregate classification (germline): Uncertain significance (1 of 4 stars; one submission).

Conditions:
Inborn genetic diseases. Identifiers: MedGen C0950123, MeSH D030342.

Submission:

Ambry Genetics
Classification: Uncertain significance for Inborn genetic diseases. Last evaluated: 2025-11-11. Review status: criteria provided, single submitter. Criteria: Ambry Variant Classification Scheme 2023. Collection method: clinical testing. Allele origin: germline.
Comment: The p.C1034R variant (also known as c.3100T>C), located in coding exon 14 of the FANCM gene, results from a T to C substitution at nucleotide position 3100. The cysteine at codon 1034 is replaced by arginine, an amino acid with highly dissimilar properties. This amino acid position is conserved. In addition, this alteration is predicted to be tolerated by in silico analysis. Based on the available evidence, the clinical significance of this variant remains unclear.

NM_020937.4(FANCM):c.3100T>C (p.Cys1034Arg)

Gene: FANCM (FA complementation group M; plus strand). Cytogenetic location: 14q21.2.
Variant type: single nucleotide variant.
Coding change: c.3100T>C on transcript NM_020937.4 (MANE Select); coding-DNA position 3100, T replaced by C.
Protein change: p.Cys1034Arg; replaces cysteine 1034 with arginine.
Molecular consequence: missense variant.
Genome position (GRCh38, 1-based): chr14:45,175,854, T>C. VCF-style: chr14-45175854-T-C. GRCh37 (hg19) VCF-style: chr14-45645057-T-C.
Other names: c.3022T>C, p.Cys1008Arg (NM_001308133.2); short protein forms C1034R, C1008R.
Identifiers: ClinVar variation 4619580 (VCV004619580.1).